The following is an entry in ClinVar:

NM_006269.2(RP1):c.413C>T (p.Pro138Leu)

Gene: RP1 (RP1 axonemal microtubule associated; plus strand). Cytogenetic location: 8q12.1.
Variant type: single nucleotide variant.
Coding change: c.413C>T on transcript NM_006269.2 (MANE Select); coding-DNA position 413, C replaced by T.
Protein change: p.Pro138Leu; replaces proline 138 with leucine.
Molecular consequence: missense variant.
Genome position (GRCh38, 1-based): chr8:54,621,379, C>T. VCF-style: chr8-54621379-C-T. GRCh37 (hg19) VCF-style: chr8-55533939-C-T.
Other names: c.413C>T, p.Pro138Leu (NM_001375654.1); short protein forms P138L.
Identifiers: ClinVar variation 1989469 (VCV001989469.4), dbSNP rs773983342, ClinGen allele CA4751149.

ClinVar aggregate classification (germline): Uncertain significance (1 of 4 stars; one submission).

gnomAD v4.1: 3 of 1,612,804 alleles (0.00019%); highest among the groups gnomAD compares: Admixed American, 0.0017%; no homozygotes.

Submission:

Labcorp Genetics (formerly Invitae), Labcorp
Classification: Uncertain significance. Last evaluated: 2022-08-15. Review status: criteria provided, single submitter. Criteria: Invitae Variant Classification Sherloc (09022015). Collection method: clinical testing. Allele origin: germline.
Comment: This variant has not been reported in the literature in individuals affected with RP1-related conditions. Algorithms developed to predict the effect of missense changes on protein structure and function (SIFT, PolyPhen-2, Align-GVGD) all suggest that this variant is likely to be tolerated. In summary, the available evidence is currently insufficient to determine the role of this variant in disease. Therefore, it has been classified as a Variant of Uncertain Significance. This sequence change replaces proline, which is neutral and non-polar, with leucine, which is neutral and non-polar, at codon 138 of the RP1 protein (p.Pro138Leu). This variant is present in population databases (rs773983342, gnomAD 0.0009%).